The following is an entry in ClinVar:

ClinVar aggregate classification (germline): Pathogenic. Review status: reviewed by expert panel (3 of 4 stars). 22 submissions from 22 submitters: Pathogenic (1). 21 of the submissions do not count toward it. Last evaluated 2024-01-24.

Conditions:
ATM-related cancer predisposition. Also called: ATM-related cancer susceptibility. Identifiers: MedGen CN377759, MONDO:0700270.
Hereditary cancer-predisposing syndrome. Also called: Hereditary neoplastic syndrome; Neoplastic Syndromes, Hereditary; Hereditary Cancer Syndrome; Tumor predisposition. Identifiers: Orphanet 140162, MedGen C0027672, MeSH D009386, MONDO:0015356.
Familial cancer of breast. Also called: Hereditary breast cancer; BREAST CANCER, FAMILIAL; hereditary breast carcinoma. Identifiers: Orphanet 227535, MedGen C0346153, MONDO:0016419, OMIM 114480. Disease mechanism: loss of function.
Ataxia-telangiectasia syndrome (AT). Also called: Ataxia telangiectasia (A-T); Cerebello-oculocutaneous telangiectasia; Immunodeficiency with ataxia telangiectasia; Ataxia-telangiectasia; Ataxia-telangiectasia, complementation group D; AT, COMPLEMENTATION GROUP C. Identifiers: Orphanet 100, MedGen C0004135, MONDO:0008840, OMIM 208900.
Breast and/or ovarian cancer. Identifiers: MedGen CN221562.
Hereditary breast ovarian cancer syndrome. Also called: Hereditary breast and/or ovarian cancer syndrome; Hereditary breast and ovarian cancer; Breast and ovarian cancer; Hereditary breast and ovarian cancer syndrome; Hereditary breast and ovarian cancer syndrome (HBOC); BRCA1- and BRCA2-Associated Hereditary Breast and Ovarian Cancer. Identifiers: Orphanet 145, MedGen C0677776, MeSH D061325, MONDO:0003582. Disease mechanism: loss of function.
Malignant tumor of urinary bladder. Also called: Bladder cancer; Urinary bladder cancer; Urinary Bladder Neoplasms. Identifiers: MedGen C0005684, MONDO:0001187, OMIM 109800.

Allele frequency attached by ClinVar (database versions not stated): gnomAD exomes 0.00004; ExAC 0.00005.
gnomAD v4.1: 13 of 1,613,688 alleles (0.00081%); highest among the groups gnomAD compares: East Asian, 0.0067%; no homozygotes.

Submissions 1 to 10 of 22:

ClinGen Hereditary Breast, Ovarian and Pancreatic Cancer Variant Curation Expert Panel, ClinGen
Classification: Pathogenic for ATM-related cancer predisposition. Last evaluated: 2024-01-24. Review status: reviewed by expert panel. Criteria: ClinGen HBOP ACMG Specifications ATM V1.2.0. Collection method: curation. Allele origin: germline. Inheritance: Autosomal dominant inheritance.
Comment: The c.2413C>T (p.Arg805Ter) variant in ATM is a nonsense variant predicted to cause a premature stop codon in a biologically-relevant-exon leading to nonsense mediated decay in a gene in which loss-of-function is an established disease mechanism. This alteration results in a termination codon upstream of the most C-terminal pathogenic alteration (ATM p.Arg3047*), as classified by the HBOP VCEP, and is expected to be more deleterious. The highest minor allele frequency in gnomAD v2.1.1 is 0.0003263 (6/18388) in the East Asian population (PM2_Supporting, BS1, and BA1 are not met). This variant has been detected in at least 6 individuals with Ataxia-Telangiectasia (PMID: 26896183, 12815592, 15843990, 16941484, 23807571). In summary, this variant meets criteria to be classified as pathogenic for autosomal dominant hereditary breast cancer and autosomal recessive Ataxia-Telangiectasia based on the ACMG/AMP criteria applied, as specified by the HBOP VCEP. (PVS1, PM3_very strong, PM5_Supporting)

Labcorp Genetics (formerly Invitae), Labcorp
Classification: Pathogenic for Ataxia-telangiectasia syndrome. Last evaluated: 2026-01-26. Review status: criteria provided, single submitter. Criteria: Invitae Variant Classification Sherloc (09022015). Collection method: clinical testing. Allele origin: germline. Not counted in ClinVar's aggregate classification.
Comment: This sequence change creates a premature translational stop signal (p.Arg805*) in the ATM gene. It is expected to result in an absent or disrupted protein product. Loss-of-function variants in ATM are known to be pathogenic (PMID: 23807571, 25614872). This variant is present in population databases (rs780619951, gnomAD 0.03%). This premature translational stop signal has been observed in individual(s) with ataxia-telangiectasia and a personal or family history of breast or ovarian cancer (PMID: 9043869, 12815592, 15843990, 16941484, 19691550, 24549055). In at least one individual the data is consistent with being in trans (on the opposite chromosome) from a pathogenic variant. ClinVar contains an entry for this variant (Variation ID: 216021). RNA analysis performed to evaluate the impact of this premature translational stop signal on mRNA splicing indicates it does not significantly alter splicing (Inviate). For these reasons, this variant has been classified as Pathogenic.

Natera, Inc.
Classification: Pathogenic for Ataxia-telangiectasia. Last evaluated: 2025-12-22. Review status: criteria provided, single submitter. Criteria: Natera Variant Classification Schema (03/2026). Collection method: clinical testing. Allele origin: germline. Not counted in ClinVar's aggregate classification.
Comment: The c.2413C>T variant in ATM is a nonsense variant predicted to introduce a stop codon at amino acid 805. This variant is expected to result in nonsense mediated decay, truncation, or a dysfunctional protein product. This variant is rare in the general population with a frequency below the threshold expected for the associated phenotype(s). This variant has been observed in one or more individuals affected with the associated recessive disease, as either homozygous or compound heterozygous with a second variant (PMID: 21445571). Given the available evidence, this variant is classified as Pathogenic.

Laboratorio de I+D, Fundación Centro Médico de Asturias
Classification: Pathogenic for Familial cancer of breast. Last evaluated: 2025-07-08. Review status: criteria provided, single submitter. Criteria: ACMG Guidelines, 2015. Collection method: clinical testing. Allele origin: germline. Affected: yes. Not counted in ClinVar's aggregate classification.
Comment: PVS1+PM2_Supporting+PM3

Variantyx, Inc.
Classification: Pathogenic for Ataxia-telangiectasia syndrome. Last evaluated: 2025-04-10. Review status: criteria provided, single submitter. Criteria: Variantyx Assertion Criteria 2022. Collection method: clinical testing. Allele origin: germline. Inheritance: Autosomal recessive inheritance. Affected: yes. Not counted in ClinVar's aggregate classification.
Comment: This is a homozygous nonsense variant in the ATM gene (OMIM: 607585). Pathogenic variants in this gene have been associated with autosomal recessive ataxia-telangiectasia. This variant introduces a premature termination codon in exon 16 out of 63 and is expected to result in loss of function, which is a known disease mechanism for ATM in this disorder (PMID: 9043869, 12815592, 15843990, 16941484, 19691550, 24549055) (PVS1). The maximum allele frequency of this variant in non-founder control populations is 0.0076% . Based on the current evidence, this variant is classified as pathogenic for autosomal recessive ataxia-telangiectasia.

Ambry Genetics
Classification: Pathogenic for Hereditary cancer-predisposing syndrome. Last evaluated: 2024-11-15. Review status: criteria provided, single submitter. Criteria: Ambry Variant Classification Scheme 2023. Collection method: clinical testing. Allele origin: germline. Not counted in ClinVar's aggregate classification.
Comment: The p.R805* pathogenic mutation (also known as c.2413C>T), located in coding exon 15 of the ATM gene, results from a C to T substitution at nucleotide position 2413. This changes the amino acid from an arginine to a stop codon within coding exon 15. This alteration has been reported in multiple individuals with a clinical diagnosis of ataxia telangiectasia (Vorechovsk&yacute; I et al. Eur. J. Hum. Genet. 1996;4(6):352-5; Mitui M et al. Hum Mutat. 2003 Jul;22:43-50; Babaei M et al. Hum Genet. 2005 Jul;117:101-6; Cavalieri S et al. Hum. Mutat. 2006 Oct;27(10):1061; Chessa L et al. Ann. Hum. Genet. 2009 Sep;73(Pt 5):532-9; Huang Y et al. Neuromolecular Med. 2013 Sep;15(3):536-40; Ng PS et al. Clin Genet. 2016 10;90:315-23; Suspitsin E et al. Eur J Med Genet. 2020 Jan;63:103630). This alteration was also reported in several breast and/or ovarian cohorts (Cast&eacute;ra L et al. Eur. J. Hum. Genet. 2014 Nov;22(11):1305-13; Ng PS et al. Clin. Genet. 2016 Oct;90:315-23; Decker B et al. J. Med. Genet. 2017 Nov;54(11):732-741; Kwong A et al. J Mol Diagn. 2020 04;22:544-554). In addition to the clinical data presented in the literature, this alteration is expected to result in loss of function by premature protein truncation or nonsense-mediated mRNA decay. As such, this alteration is interpreted as a disease-causing mutation.

Baylor Genetics
Classification: Pathogenic for Familial cancer of breast. Last evaluated: 2024-03-04. Review status: criteria provided, single submitter. Criteria: ACMG Guidelines, 2015. Collection method: clinical testing. Allele origin: unknown. Not counted in ClinVar's aggregate classification.

Department of Pathology and Laboratory Medicine, Sinai Health System
Classification: Pathogenic for ATM-related cancer predisposition. Last evaluated: 2024-01-26. Review status: criteria provided, single submitter. Criteria: ACMG Guidelines, 2015. Collection method: clinical testing. Allele origin: germline. Affected: no. Not counted in ClinVar's aggregate classification.

Myriad Genetics, Inc.
Classification: Pathogenic for Familial cancer of breast. Last evaluated: 2024-01-17. Review status: criteria provided, single submitter. Criteria: Myriad Autosomal Dominant, Autosomal Recessive and X-Linked Classification Criteria (2023). Collection method: clinical testing. Allele origin: unknown. Not counted in ClinVar's aggregate classification.
Comment: This variant is considered pathogenic. This variant creates a termination codon and is predicted to result in premature protein truncation.

Mayo Clinic Laboratories, Mayo Clinic
Classification: Pathogenic. Last evaluated: 2023-12-14. Review status: criteria provided, single submitter. Criteria: ACMG Guidelines, 2015. Collection method: clinical testing. Allele origin: germline. Observed: 3 variant alleles. Not counted in ClinVar's aggregate classification.
Comment: PM3_strong, PM5_supporting, PVS1

NM_000051.4(ATM):c.2413C>T (p.Arg805Ter)

Gene: ATM (ATM serine/threonine kinase; plus strand). Cytogenetic location: 11q22.3.
Variant type: single nucleotide variant.
Coding change: c.2413C>T on transcript NM_000051.4 (MANE Select); coding-DNA position 2413, C replaced by T.
Protein change: p.Arg805Ter; replaces arginine 805 with a stop codon.
Molecular consequence: nonsense.
Genome position (GRCh38, 1-based): chr11:108,259,022, C>T. VCF-style: chr11-108259022-C-T. GRCh37 (hg19) VCF-style: chr11-108129749-C-T.
Other names: NM_000051.4(ATM):c.2413C>T; p.Arg805Ter; p.Arg805*; c.2413C>T, p.Arg805Ter (NM_001351834.2); short protein forms R805*.
Identifiers: ClinVar variation 216021 (VCV000216021.44), dbSNP rs780619951, ClinGen allele CA338870.